The following is an entry in ClinVar:

ClinVar aggregate classification (germline): Uncertain significance (1 of 4 stars; one submission).

Conditions:
Baller-Gerold syndrome (BGS). Also called: CRANIOSYNOSTOSIS WITH RADIAL DEFECTS. Identifiers: Orphanet 1225, MedGen C0265308, MONDO:0009039, OMIM 218600.

Submission:

Labcorp Genetics (formerly Invitae), Labcorp
Classification: Uncertain significance for Baller-Gerold syndrome. Last evaluated: 2020-05-14. Review status: criteria provided, single submitter. Criteria: Invitae Variant Classification Sherloc (09022015). Collection method: clinical testing. Allele origin: germline.
Comment: This variant is not present in population databases (ExAC no frequency). This sequence change replaces alanine with phenylalanine at codon 55 of the RECQL4 protein (p.Ala55Phe). The alanine residue is moderately conserved and there is a moderate physicochemical difference between alanine and phenylalanine. This variant has not been reported in the literature in individuals with RECQL4-related conditions. In summary, the available evidence is currently insufficient to determine the role of this variant in disease. Therefore, it has been classified as a Variant of Uncertain Significance. Experimental studies and prediction algorithms are not available or were not evaluated, and the functional significance of this variant is currently unknown.

NM_004260.4(RECQL4):c.163_164delinsTT (p.Ala55Phe)

Genes: RECQL4 (RecQ like helicase 4; minus strand), LOC130001411 (ATAC-STARR-seq lymphoblastoid silent region 19699; plus strand). Cytogenetic location: 8q24.3.
Variant type: Indel.
Coding change: c.163_164delinsTT on transcript NM_004260.4 (MANE Select); coding-DNA positions 163 to 164, GC replaced by TT.
Protein change: p.Ala55Phe; replaces alanine 55 with phenylalanine.
Molecular consequence: missense variant.
Genome position (GRCh38, 1-based): chr8:144,517,463-144,517,464, GC replaced by AA on the plus strand (GC replaced by TT on the coding strand, the reverse complement: RECQL4 is on the minus strand). VCF-style: chr8-144517463-GC-AA. GRCh37 (hg19) VCF-style: chr8-145742847-GC-AA.
Other names: short protein forms A55F.
Identifiers: ClinVar variation 1025060 (VCV001025060.3), dbSNP rs1815354359, ClinGen allele CA1826369905.